The following is an entry in ClinVar:

ClinVar aggregate classification (germline): Conflicting classifications of pathogenicity. Review status: criteria provided, conflicting classifications (1 of 4 stars). 3 submissions from 3 submitters: Uncertain significance (1); Likely benign (1). 1 of the submissions does not count toward it. Last evaluated 2025-07-07.

Conditions:
Hereditary cancer-predisposing syndrome. Also called: Neoplastic Syndromes, Hereditary; Hereditary Cancer Syndrome; Tumor predisposition; Hereditary neoplastic syndrome. Identifiers: Orphanet 140162, MedGen C0027672, MeSH D009386, MONDO:0015356.
Microcephaly, normal intelligence and immunodeficiency (NBS). Also called: Ataxia telangiectasia variant V1; SEEMANOVA SYNDROME II; Immunodeficiency, microcephaly with normal intelligence; Nijmegen breakage syndrome; Microcephaly with normal intelligence immunodeficiency and lymphoreticular malignancies; Nonsyndromal microcephaly autosomal recessive with normal intelligence. Identifiers: Orphanet 647, MedGen C0398791, MONDO:0009623, OMIM 251260.

Submissions (3):

Labcorp Genetics (formerly Invitae), Labcorp
Classification: Uncertain significance for Microcephaly, normal intelligence and immunodeficiency. Last evaluated: 2025-07-07. Review status: criteria provided, single submitter. Criteria: Invitae Variant Classification Sherloc (09022015). Collection method: clinical testing. Allele origin: germline.
Comment: This sequence change affects codon 12 of the NBN mRNA. It is a 'silent' change, meaning that it does not change the encoded amino acid sequence of the NBN protein. It affects a nucleotide within the consensus splice site. This variant is not present in population databases (gnomAD no frequency). This variant has not been reported in the literature in individuals affected with NBN-related conditions. ClinVar contains an entry for this variant (Variation ID: 583227). Algorithms developed to predict the effect of sequence changes on RNA splicing suggest that this variant may create or strengthen a splice site. In summary, the available evidence is currently insufficient to determine the role of this variant in disease. Therefore, it has been classified as a Variant of Uncertain Significance.

Ambry Genetics
Classification: Likely benign for Hereditary cancer-predisposing syndrome. Last evaluated: 2021-11-17. Review status: criteria provided, single submitter. Criteria: Ambry Variant Classification Scheme 2023. Collection method: clinical testing. Allele origin: germline.

Natera, Inc.
Classification: Uncertain significance for Nijmegen breakage syndrome. Last evaluated: 2020-07-20. Review status: no assertion criteria provided. Collection method: clinical testing. Allele origin: germline. Not counted in ClinVar's aggregate classification.

Literature cited by the submitters: PubMed 30287823 (cited by Ambry Genetics).

NM_002485.5(NBN):c.36A>T (p.Gly12=)

Gene: NBN (nibrin; minus strand). Cytogenetic location: 8q21.3.
Variant type: single nucleotide variant.
Coding change: c.36A>T on transcript NM_002485.5 (MANE Select); coding-DNA position 36, A replaced by T.
Protein change: p.Gly12=; no amino-acid change (glycine 12 retained).
Molecular consequence: synonymous variant. On other transcripts: 5 prime UTR variant (1).
Genome position (GRCh38, 1-based): chr8:89,984,526, T>A on the plus strand (A>T on the coding strand, the complement: NBN is on the minus strand). VCF-style: chr8-89984526-T-A. GRCh37 (hg19) VCF-style: chr8-90996754-T-A.
Other names: c.-261A>T (NM_001024688.3).
Identifiers: ClinVar variation 583227 (VCV000583227.13), dbSNP rs1554569658, ClinGen allele CA461831592.